The following is an entry in ClinVar:

ClinVar aggregate classification (germline): Uncertain significance. Review status: criteria provided, multiple submitters, no conflicts (2 of 4 stars). 4 submissions from 4 submitters: Uncertain significance (4). Last evaluated 2025-06-19.

Conditions:
Inborn genetic diseases. Identifiers: MedGen C0950123, MeSH D030342.
Malignant hyperthermia, susceptibility to, 1 (MHS1). Also called: RYR1-Related Malignant Hyperthermia Susceptibility; Anesthesia related hyperthermia; Malignant hyperpyrexia; Fulminating hyperpyrexia; Pharmacogenic myopathy; Malignant hyperthermia suceptibility 1. Identifiers: Orphanet 423, MedGen C2930980, MONDO:0007783, OMIM 145600.

Allele frequency attached by ClinVar (database versions not stated): ExAC 0.00001; gnomAD 0.00004; TOPMed 0.00007; ESP Exome Variant Server 0.00015.
gnomAD v4.1: 13 of 1,614,064 alleles (0.00081%); highest among the groups gnomAD compares: African/African-American, 0.017%; no homozygotes.

Submissions (4):

Ambry Genetics
Classification: Uncertain significance for Inborn genetic diseases. Last evaluated: 2025-06-19. Review status: criteria provided, single submitter. Criteria: Ambry Variant Classification Scheme 2023. Collection method: clinical testing. Allele origin: germline.

Color Diagnostics, LLC DBA Color Health
Classification: Uncertain significance for Malignant hyperthermia, susceptibility to, 1. Last evaluated: 2025-05-29. Review status: criteria provided, single submitter. Criteria: ACMG Guidelines, 2015. Collection method: clinical testing. Allele origin: germline.
Comment: This missense variant replaces proline with arginine at codon 626 of the RYR1 protein. Computational prediction suggests that this variant may have deleterious impact on protein structure and function. To our knowledge, functional studies have not been reported for this variant. This variant has not been reported in individuals affected with RYR1-related disorders in the literature. This variant has been identified in 6/282870 chromosomes in the general population by the Genome Aggregation Database (gnomAD). The available evidence is insufficient to determine the role of this variant in disease conclusively. Therefore, this variant is classified as a Variant of Uncertain Significance.

GeneDx
Classification: Uncertain significance. Last evaluated: 2024-12-30. Review status: criteria provided, single submitter. Criteria: GeneDx Variant Classification Process June 2021. Collection method: clinical testing. Allele origin: germline. Affected: yes.
Comment: In silico analysis supports that this missense variant has a deleterious effect on protein structure/function; Has not been previously published as pathogenic or benign to our knowledge

All of Us Research Program, National Institutes of Health
Classification: Uncertain significance for Malignant hyperthermia, susceptibility to, 1. Last evaluated: 2023-03-23. Review status: criteria provided, single submitter. Criteria: ACMG Guidelines, 2015. Collection method: clinical testing. Allele origin: germline. Inheritance: Autosomal dominant inheritance. Observed: 1 variant allele, 1 heterozygote.
Comment: This missense variant replaces proline with arginine at codon 626 of the RYR1 protein. Computational prediction suggests that this variant may have deleterious impact on protein structure and function (internally defined REVEL score threshold >= 0.7, PMID: 27666373). To our knowledge, functional studies have not been reported for this variant. This variant has not been reported in individuals affected with RYR1-related disorders in the literature. This variant has been identified in 6/282870 chromosomes in the general population by the Genome Aggregation Database (gnomAD). The available evidence is insufficient to determine the role of this variant in disease conclusively. Therefore, this variant is classified as a Variant of Uncertain Significance.

This study involves interpretation of variants in research participants for the purpose of population health screening. Participant phenotype was not available at the time of variant classification. Additional details can be found in publication PMID: 35346344, PMCID: PMC8962531

NM_000540.3(RYR1):c.1877C>G (p.Pro626Arg)

Gene: RYR1 (ryanodine receptor 1; plus strand). Cytogenetic location: 19q13.2.
Variant type: single nucleotide variant.
Coding change: c.1877C>G on transcript NM_000540.3 (MANE Select); coding-DNA position 1877, C replaced by G.
Protein change: p.Pro626Arg; replaces proline 626 with arginine.
Molecular consequence: missense variant.
Genome position (GRCh38, 1-based): chr19:38,457,582, C>G. VCF-style: chr19-38457582-C-G. GRCh37 (hg19) VCF-style: chr19-38948222-C-G.
Other names: c.1877C>G, p.Pro626Arg (NM_001042723.2); short protein forms P626R.
Identifiers: ClinVar variation 3069933 (VCV003069933.4), dbSNP rs140133838, ClinGen allele CA062526.